The following is an entry in ClinVar:

NM_006922.4(SCN3A):c.3944T>C (p.Leu1315Ser)

Gene: SCN3A (sodium voltage-gated channel alpha subunit 3; minus strand). Cytogenetic location: 2q24.3.
Variant type: single nucleotide variant.
Coding change: c.3944T>C on transcript NM_006922.4 (MANE Select); coding-DNA position 3944, T replaced by C.
Protein change: p.Leu1315Ser; replaces leucine 1315 with serine.
Molecular consequence: missense variant.
Genome position (GRCh38, 1-based): chr2:165,100,324, A>G on the plus strand (T>C on the coding strand, the complement: SCN3A is on the minus strand). VCF-style: chr2-165100324-A-G. GRCh37 (hg19) VCF-style: chr2-165956834-A-G.
Other names: c.3797T>C, p.Leu1266Ser (NM_001081676.2, NM_001081677.2); short protein forms L1266S, L1315S.
Identifiers: ClinVar variation 4160619 (VCV004160619.2).

ClinVar aggregate classification (germline): Uncertain significance (1 of 4 stars; one submission).

Conditions:
Inborn genetic diseases. Identifiers: MedGen C0950123, MeSH D030342.

Submission:

Ambry Genetics
Classification: Uncertain significance for Inborn genetic diseases. Last evaluated: 2025-09-30. Review status: criteria provided, single submitter. Criteria: Ambry Variant Classification Scheme 2023. Collection method: clinical testing. Allele origin: germline.
Comment: The c.3944T>C (p.L1315S) alteration is located in exon 22 (coding exon 20) of the SCN3A gene. This alteration results from a T to C substitution at nucleotide position 3944, causing the leucine (L) at amino acid position 1315 to be replaced by a serine (S). This variant was not reported in population-based cohorts in the Genome Aggregation Database (gnomAD). This amino acid position is highly conserved in available vertebrate species. This alteration is predicted to be deleterious by in silico analysis. Based on insufficient or conflicting evidence, the clinical significance of this alteration remains unclear.